The following is an entry in ClinVar:

NM_000093.5(COL5A1):c.466C>T (p.Arg156Trp)

Gene: COL5A1 (collagen type V alpha 1 chain; plus strand). Cytogenetic location: 9q34.3.
Variant type: single nucleotide variant.
Coding change: c.466C>T on transcript NM_000093.5 (MANE Select); coding-DNA position 466, C replaced by T.
Protein change: p.Arg156Trp; replaces arginine 156 with tryptophan.
Molecular consequence: missense variant.
Genome position (GRCh38, 1-based): chr9:134,700,097, C>T. VCF-style: chr9-134700097-C-T. GRCh37 (hg19) VCF-style: chr9-137591943-C-T.
Other names: c.466C>T (NM_000093.3); c.466C>T, p.Arg156Trp (NM_001278074.1); short protein forms R156W.
Identifiers: ClinVar variation 2742617 (VCV002742617.4), dbSNP rs760354881, ClinGen allele CA5318307.

ClinVar aggregate classification (germline): Conflicting classifications of pathogenicity. Review status: criteria provided, conflicting classifications (1 of 4 stars). 2 submissions from 2 submitters: Uncertain significance (1); Benign (1). Last evaluated 2025-06-11.

Conditions:
Familial thoracic aortic aneurysm and aortic dissection (TAAD). Also called: Thoracic aortic aneurysms and dissections. Identifiers: Orphanet 91387, MedGen C4707243, MONDO:0019625.
Ehlers-Danlos syndrome, classic type, 1 (EDSCL1). Also called: EHLERS-DANLOS SYNDROME, GRAVIS TYPE; EHLERS-DANLOS SYNDROME, SEVERE CLASSIC TYPE; Ehlers-Danlos syndrome, type 1; Ehlers-Danlos Syndrome, Classic Type, COL5A1-Related; EDS I. Identifiers: MedGen C0268335, MONDO:0019567, OMIM 130000.

Allele frequency attached by ClinVar (database versions not stated): TOPMed 0.00001; ExAC 0.00001; gnomAD 0.00001; gnomAD exomes 0.00002.

Submissions (2):

Ambry Genetics
Classification: Uncertain significance for Familial thoracic aortic aneurysm and aortic dissection. Last evaluated: 2025-06-11. Review status: criteria provided, single submitter. Criteria: Ambry Variant Classification Scheme 2023. Collection method: clinical testing. Allele origin: germline.
Comment: The p.R156W variant (also known as c.466C>T), located in coding exon 3 of the COL5A1 gene, results from a C to T substitution at nucleotide position 466. The arginine at codon 156 is replaced by tryptophan, an amino acid with dissimilar properties. This amino acid position is well conserved in available vertebrate species. In addition, the in silico prediction for this alteration is inconclusive. Based on the available evidence, the clinical significance of this variant remains unclear.

Labcorp Genetics (formerly Invitae), Labcorp
Classification: Benign for Ehlers-Danlos syndrome, classic type, 1. Last evaluated: 2025-03-09. Review status: criteria provided, single submitter. Criteria: Invitae Variant Classification Sherloc (09022015). Collection method: clinical testing. Allele origin: germline.